The following is an entry in ClinVar:

ClinVar aggregate classification (germline): Uncertain significance. Review status: criteria provided, single submitter (1 of 4 stars). 2 submissions from 2 submitters: Uncertain significance (1). 1 of the submissions does not count toward it. Last evaluated 2025-03-01.

Conditions:
Ventricular septal defect 2 (VSD2). Identifiers: MedGen C3280783, MONDO:0013748, OMIM 614431.

Submissions (2):

CeGaT Center for Human Genetics Tuebingen
Classification: Uncertain significance. Last evaluated: 2025-03-01. Review status: criteria provided, single submitter. Criteria: CeGaT Center For Human Genetics Tuebingen Variant Classification Criteria Version 2. Collection method: clinical testing. Allele origin: germline. Affected: yes. Observed: 1 variant allele.
Comment: CITED2: PM4, PS3:Supporting

OMIM
Classification: Pathogenic for VENTRICULAR SEPTAL DEFECT 2. Last evaluated: 2005-12-01. Review status: no assertion criteria provided. Collection method: literature only. Allele origin: germline. Not counted in ClinVar's aggregate classification.

Literature cited by the submitters: PubMed 16287139 (cited by OMIM).

NM_006079.5(CITED2):c.510_536del (p.163GSSTPGGSG[1])

Genes: CITED2 (Cbp/p300 interacting transactivator with ED-rich tail 2; minus strand), LOC129997307 (ATAC-STARR-seq lymphoblastoid silent region 17609; plus strand). Cytogenetic location: 6q24.1.
Variant type: Deletion.
Coding change: c.510_536del on transcript NM_006079.5 (MANE Select); coding-DNA positions 510 to 536, 27 bases deleted (GGGCGGCAGCAGCACCCCCGGCGGCTC).
Protein change: p.163GSSTPGGSG[1].
Molecular consequence: inframe deletion.
Genome position (GRCh38, 1-based): chr6:139,373,409-139,373,435, GAGCCGCCGGGGGTGCTGCTGCCGCCC deleted on the plus strand (GGGCGGCAGCAGCACCCCCGGCGGCTC on the coding strand, the reverse complement: CITED2 is on the minus strand); deleting any 27 consecutive bases within chr6:139,373,409-139,373,461 gives the same sequence; the c. name uses the placement nearest the transcript's 3' end. VCF-style (leftmost placement, unchanged base first): chr6-139373408-AGAGCCGCCGGGGGTGCTGCTGCCGCCC-A. GRCh37 (hg19) VCF-style: chr6-139694545-AGAGCCGCCGGGGGTGCTGCTGCCGCCC-A.
Other names: c.510_536del, p.163GSSTPGGSG[1] (NM_001168388.3); c.525_551del, p.168GSSTPGGSG[1] (NM_001168389.3).
Identifiers: ClinVar variation 6721 (VCV000006721.8), dbSNP rs779637348, ClinGen allele CA4025590.